The following is an entry in ClinVar:

NM_012123.4(MTO1):c.992A>G (p.Gln331Arg)

Gene: MTO1 (mitochondrial tRNA translation optimization 1; plus strand). Cytogenetic location: 6q13.
Variant type: single nucleotide variant.
Coding change: c.992A>G on transcript NM_012123.4 (MANE Select); coding-DNA position 992, A replaced by G.
Protein change: p.Gln331Arg; replaces glutamine 331 with arginine.
Molecular consequence: missense variant.
Genome position (GRCh38, 1-based): chr6:73,479,989, A>G. VCF-style: chr6-73479989-A-G. GRCh37 (hg19) VCF-style: chr6-74189712-A-G.
Other names: c.992A>G, p.Gln331Arg (NM_001123226.2, NM_133645.3); short protein forms Q331R.
Identifiers: ClinVar variation 1418557 (VCV001418557.4), dbSNP rs151280054, ClinGen allele CA3889497.

ClinVar aggregate classification (germline): Uncertain significance (1 of 4 stars; one submission).

Conditions:
Mitochondrial hypertrophic cardiomyopathy with lactic acidosis due to MTO1 deficiency. Also called: CARDIOMYOPATHY, INFANTILE HYPERTROPHIC MITOCHONDRIAL, AND LACTIC ACIDOSIS; Combined oxidative phosphorylation deficiency 10. Identifiers: Orphanet 314637, MedGen C4749921, MONDO:0013865, OMIM 614702.

Allele frequency attached by ClinVar (database versions not stated): gnomAD exomes below 0.00001 and 0.00001; ExAC 0.00002; TOPMed 0.00003; gnomAD 0.00007; ESP Exome Variant Server 0.00023.

Submission:

Labcorp Genetics (formerly Invitae), Labcorp
Classification: Uncertain significance for Mitochondrial hypertrophic cardiomyopathy with lactic acidosis due to MTO1 deficiency. Last evaluated: 2021-10-26. Review status: criteria provided, single submitter. Criteria: Invitae Variant Classification Sherloc (09022015). Collection method: clinical testing. Allele origin: germline.
Comment: In summary, the available evidence is currently insufficient to determine the role of this variant in disease. Therefore, it has been classified as a Variant of Uncertain Significance. Algorithms developed to predict the effect of missense changes on protein structure and function are either unavailable or do not agree on the potential impact of this missense change (SIFT: "Tolerated"; PolyPhen-2: "Probably Damaging"; Align-GVGD: "Class C0"). This variant has not been reported in the literature in individuals affected with MTO1-related conditions. This variant is present in population databases (rs151280054, ExAC 0.03%). This sequence change replaces glutamine with arginine at codon 331 of the MTO1 protein (p.Gln331Arg). The glutamine residue is moderately conserved and there is a small physicochemical difference between glutamine and arginine.